The following is an entry in ClinVar:

ClinVar aggregate classification (germline): Benign/Likely benign. Review status: criteria provided, multiple submitters, no conflicts (2 of 4 stars). 2 submissions from 2 submitters: Benign (1); Likely benign (1). Last evaluated 2025-12-28.

Conditions:
CYP4F22-related disorder. Also called: CYP4F22-related condition.

Allele frequency attached by ClinVar (database versions not stated): gnomAD 0.00007; gnomAD exomes 0.00012 and 0.00065; 1000 Genomes Project 0.00020; TOPMed 0.00020; 1000 Genomes Project 30x 0.00031; ExAC 0.00052.
gnomAD v4.1: 180 of 1,614,156 alleles (0.011%); highest among the groups gnomAD compares: Admixed American, 0.29%; 2 homozygotes.

Submissions (2):

Labcorp Genetics (formerly Invitae), Labcorp
Classification: Benign. Last evaluated: 2025-12-28. Review status: criteria provided, single submitter. Criteria: Invitae Variant Classification Sherloc (09022015). Collection method: clinical testing. Allele origin: germline.

PreventionGenetics, part of Exact Sciences
Classification: Likely benign for CYP4F22-related condition. Last evaluated: 2025-07-07. Review status: criteria provided, single submitter. Criteria: ACMG Guidelines, 2015. Collection method: clinical testing. Allele origin: germline.
Comment: This variant is classified as likely benign based on ACMG/AMP sequence variant interpretation guidelines (Richards et al. 2015 PMID: 25741868, with internal and published modifications).

NM_173483.4(CYP4F22):c.421+8C>A

Gene: CYP4F22 (cytochrome P450 family 4 subfamily F member 22; plus strand). Cytogenetic location: 19p13.12.
Variant type: single nucleotide variant.
Coding change: c.421+8C>A on transcript NM_173483.4 (MANE Select); 8 bases into the intron after coding-DNA position 421, C replaced by A.
Molecular consequence: intron variant.
Genome position (GRCh38, 1-based): chr19:15,537,422, C>A. VCF-style: chr19-15537422-C-A. GRCh37 (hg19) VCF-style: chr19-15648233-C-A.
Identifiers: ClinVar variation 784549 (VCV000784549.8), dbSNP rs200108978, ClinGen allele CA9269567.